The following is an entry in ClinVar:

ClinVar aggregate classification (germline): Pathogenic (1 of 4 stars; one submission).

Conditions:
Familial adenomatous polyposis 1 (FAP1). Also called: FAMILIAL ADENOMATOUS POLYPOSIS 1, ATTENUATED; POLYPOSIS, ADENOMATOUS INTESTINAL. Identifiers: MedGen C2713442, MONDO:0021056, OMIM 175100. Disease mechanism: loss of function.

Submission:

Myriad Genetics, Inc.
Classification: Pathogenic for Familial adenomatous polyposis 1. Last evaluated: 2023-04-27. Review status: criteria provided, single submitter. Criteria: Myriad Autosomal Dominant, Autosomal Recessive and X-Linked Classification Criteria (2023). Collection method: clinical testing. Allele origin: unknown.
Comment: This variant is considered pathogenic. This variant creates a frameshift predicted to result in premature protein truncation.

NM_000038.6(APC):c.860_862delinsTT (p.Glu287fs)

Gene: APC (APC regulator of Wnt signaling pathway; plus strand). Cytogenetic location: 5q22.2.
Variant type: Indel.
Coding change: c.860_862delinsTT on transcript NM_000038.6 (MANE Select); coding-DNA positions 860 to 862, AAA replaced by TT.
Protein change: p.Glu287fs; shifts the reading frame from glutamic acid 287.
Molecular consequence: frameshift variant. On other transcripts: non-coding transcript variant (2).
Genome position (GRCh38, 1-based): chr5:112,815,520-112,815,522, AAA replaced by TT. VCF-style: chr5-112815520-AAA-TT. GRCh37 (hg19) VCF-style: chr5-112151217-AAA-TT.
Other names: c.860_862delinsTT, p.Glu287fs (NM_001127510.3, NM_001354895.2, NM_001354896.2 and 12 more transcripts); c.806_808delinsTT, p.Glu269fs (NM_001127511.3); c.890_892delinsTT, p.Glu297fs (NM_001354897.2, NM_001354902.2, NM_001407446.1); c.785_787delinsTT, p.Glu262fs (NM_001354898.2, NM_001354904.2, NM_001407451.1); c.776_778delinsTT, p.Glu259fs (NM_001354899.2, NM_001407452.1, NM_001407467.1 and 1 more transcripts); c.683_685delinsTT, p.Glu228fs (NM_001354900.2, NM_001354901.2, NM_001354905.2 and 1 more transcripts); c.11_13delinsTT, p.Glu4fs (NM_001354906.2, NM_001407470.1, NM_001407471.1 and 1 more transcripts); short protein forms E228fs, E259fs, E262fs, E269fs, E287fs, E297fs, E4fs.
Identifiers: ClinVar variation 2583959 (VCV002583959.2), dbSNP rs2532966871, ClinGen allele CA2582341269.